The following is an entry in ClinVar:

NM_001256715.2(DNAAF3):c.40G>C (p.Val14Leu)

Genes: DNAAF3 (dynein axonemal assembly factor 3; minus strand), DNAAF3-AS1 (DNAAF3 antisense RNA 1; plus strand). Cytogenetic location: 19q13.42.
Variant type: single nucleotide variant.
Coding change: c.40G>C on transcript NM_001256715.2 (MANE Select); coding-DNA position 40, G replaced by C.
Protein change: p.Val14Leu; replaces valine 14 with leucine.
Molecular consequence: missense variant. On other transcripts: 5 prime UTR variant (1).
Genome position (GRCh38, 1-based): chr19:55,166,374, C>G on the plus strand (G>C on the coding strand, the complement: DNAAF3 is on the minus strand). VCF-style: chr19-55166374-C-G. GRCh37 (hg19) VCF-style: chr19-55677742-C-G.
Other names: c.181G>C, p.Val61Leu (NM_001256714.1, NM_178837.4); c.-199G>C (NM_001256716.2); short protein forms V61L, V14L.
Identifiers: ClinVar variation 2727666 (VCV002727666.4), dbSNP rs776426860, ClinGen allele CA9668271.

ClinVar aggregate classification (germline): Uncertain significance. Review status: criteria provided, multiple submitters, no conflicts (2 of 4 stars). 2 submissions from 2 submitters: Uncertain significance (2). Last evaluated 2026-04-15.

Conditions:
Primary ciliary dyskinesia. Also called: Ciliary dyskinesia. Identifiers: Orphanet 244, MedGen C0008780, MONDO:0016575, HP:0012265.

Allele frequency attached by ClinVar (database versions not stated): TOPMed below 0.00001; ExAC 0.00001.
gnomAD v4.1: 7 of 1,613,864 alleles (0.00043%); highest among the groups gnomAD compares: East Asian, 0.016%; no homozygotes.

Submissions (2):

Ambry Genetics
Classification: Uncertain significance for Primary ciliary dyskinesia. Last evaluated: 2026-04-15. Review status: criteria provided, single submitter. Criteria: Ambry Variant Classification Scheme 2023. Collection method: clinical testing. Allele origin: germline.
Comment: The c.181G>C (p.V61L) alteration is located in exon 2 (coding exon 2) of the DNAAF3 gene. This alteration results from a G to C substitution at nucleotide position 181, causing the valine (V) at amino acid position 61 to be replaced by a leucine (L). Based on data from gnomAD, the C allele has an overall frequency of 0.002% (5/247594) total alleles studied. The highest observed frequency was 0.028% (5/17964) of East Asian alleles. Based on insufficient or conflicting evidence, the clinical significance of this alteration remains unclear.

Labcorp Genetics (formerly Invitae), Labcorp
Classification: Uncertain significance for Primary ciliary dyskinesia. Last evaluated: 2023-12-02. Review status: criteria provided, single submitter. Criteria: Invitae Variant Classification Sherloc (09022015). Collection method: clinical testing. Allele origin: germline.
Comment: This sequence change replaces valine, which is neutral and non-polar, with leucine, which is neutral and non-polar, at codon 61 of the DNAAF3 protein (p.Val61Leu). This variant is present in population databases (rs776426860, gnomAD 0.02%). This variant has not been reported in the literature in individuals affected with DNAAF3-related conditions. An algorithm developed to predict the effect of missense changes on protein structure and function (PolyPhen-2) suggests that this variant is likely to be disruptive. In summary, the available evidence is currently insufficient to determine the role of this variant in disease. Therefore, it has been classified as a Variant of Uncertain Significance.